The following is an entry in ClinVar:

NM_032531.4(KIRREL3):c.742C>T (p.His248Tyr)

Gene: KIRREL3 (kirre like nephrin family adhesion molecule 3; minus strand). Cytogenetic location: 11q24.2.
Variant type: single nucleotide variant.
Coding change: c.742C>T on transcript NM_032531.4 (MANE Select); coding-DNA position 742, C replaced by T.
Protein change: p.His248Tyr; replaces histidine 248 with tyrosine.
Molecular consequence: missense variant.
Genome position (GRCh38, 1-based): chr11:126,463,157, G>A on the plus strand (C>T on the coding strand, the complement: KIRREL3 is on the minus strand). VCF-style: chr11-126463157-G-A. GRCh37 (hg19) VCF-style: chr11-126333052-G-A.
Other names: c.742C>T, p.His248Tyr (NM_001161707.2, NM_001301097.2); short protein forms H248Y.
Identifiers: ClinVar variation 1032294 (VCV001032294.1), dbSNP rs199541555, ClinGen allele CA6356167.

ClinVar aggregate classification (germline): Uncertain significance (1 of 4 stars; one submission).

Conditions:
Intellectual developmental disorder, autosomal dominant 4. Also called: Intellectual disability, autosomal dominant 4. Identifiers: MedGen C2675487, MONDO:0012947, OMIM 612581.

Allele frequency attached by ClinVar (database versions not stated): ESP Exome Variant Server 0.00016; gnomAD 0.00010 and 0.00009; gnomAD exomes 0.00003 and 0.00002; ExAC 0.00003; TOPMed 0.00007.
gnomAD v4.1: 45 of 1,612,590 alleles (0.0028%); highest among the groups gnomAD compares: Middle Eastern, 0.037%; no homozygotes.

Submission:

Baylor Genetics
Classification: Uncertain significance for Intellectual developmental disorder, autosomal dominant 4. Last evaluated: 2018-07-21. Review status: criteria provided, single submitter. Criteria: ACMG Guidelines, 2015. Collection method: clinical testing. Allele origin: maternal. Affected: yes.
Comment: This variant was determined to be of uncertain significance according to ACMG Guidelines, 2015 [PMID:25741868].